The following is an entry in ClinVar:

ClinVar aggregate classification (germline): Uncertain significance (1 of 4 stars; one submission).

Conditions:
Inborn genetic diseases. Identifiers: MedGen C0950123, MeSH D030342.

gnomAD v4.1: 1 of 1,612,146 alleles (0.000062%); highest among the groups gnomAD compares: South Asian, 0.0011%; no homozygotes.

Submission:

Ambry Genetics
Classification: Uncertain significance for Inborn genetic diseases. Last evaluated: 2025-01-17. Review status: criteria provided, single submitter. Criteria: Ambry Variant Classification Scheme 2023. Collection method: clinical testing. Allele origin: germline.
Comment: The p.E484Q variant (also known as c.1450G>C), located in coding exon 12 of the ASXL1 gene, results from a G to C substitution at nucleotide position 1450. The glutamic acid at codon 484 is replaced by glutamine, an amino acid with highly similar properties. This amino acid position is conserved. In addition, this alteration is predicted to be tolerated by in silico analysis. Based on the available evidence, the clinical significance of this variant remains unclear.

NM_015338.6(ASXL1):c.1450G>C (p.Glu484Gln)

Gene: ASXL1 (ASXL transcriptional regulator 1; plus strand). Cytogenetic location: 20q11.21.
Variant type: single nucleotide variant.
Coding change: c.1450G>C on transcript NM_015338.6 (MANE Select); coding-DNA position 1450, G replaced by C.
Protein change: p.Glu484Gln; replaces glutamic acid 484 with glutamine.
Molecular consequence: missense variant.
Genome position (GRCh38, 1-based): chr20:32,433,648, G>C. VCF-style: chr20-32433648-G-C. GRCh37 (hg19) VCF-style: chr20-31021451-G-C.
Other names: c.1267G>C, p.Glu423Gln (NM_001363734.1); short protein forms E423Q, E484Q.
Identifiers: ClinVar variation 3130589 (VCV003130589.2), dbSNP rs1388025911, ClinGen allele CA408556593.